The following is an entry in ClinVar:

NM_015001.3(SPEN):c.5981G>T (p.Gly1994Val)

Gene: SPEN (spen family transcriptional repressor; plus strand). Cytogenetic location: 1p36.13.
Variant type: single nucleotide variant.
Coding change: c.5981G>T on transcript NM_015001.3 (MANE Select); coding-DNA position 5981, G replaced by T.
Protein change: p.Gly1994Val; replaces glycine 1994 with valine.
Molecular consequence: missense variant.
Genome position (GRCh38, 1-based): chr1:15,932,221, G>T. VCF-style: chr1-15932221-G-T. GRCh37 (hg19) VCF-style: chr1-16258716-G-T.
Other names: c.5981G>T (NM_015001.2); short protein forms G1994V.
Identifiers: ClinVar variation 1691058 (VCV001691058.3), dbSNP rs760431541, ClinGen allele CA619840.

ClinVar aggregate classification (germline): Conflicting classifications of pathogenicity. Review status: criteria provided, conflicting classifications (1 of 4 stars). 2 submissions from 2 submitters: Uncertain significance (1); Likely benign (1). Last evaluated 2024-03-25.

Conditions:
Inborn genetic diseases. Identifiers: MedGen C0950123, MeSH D030342.

Allele frequency attached by ClinVar (database versions not stated): gnomAD exomes below 0.00001 and 0.00001; ExAC 0.00003; gnomAD 0.00003 and 0.00005; TOPMed 0.00005.
gnomAD v4.1: 8 of 1,612,390 alleles (0.0005%); highest among the groups gnomAD compares: African/African-American, 0.0094%; no homozygotes.

Submissions (2):

Ambry Genetics
Classification: Uncertain significance for Inborn genetic diseases. Last evaluated: 2024-03-25. Review status: criteria provided, single submitter. Criteria: Ambry Variant Classification Scheme 2023. Collection method: clinical testing. Allele origin: germline.

Laboratorio de Genetica e Diagnostico Molecular, Hospital Israelita Albert Einstein
Classification: Likely benign. Last evaluated: 2022-01-13. Review status: criteria provided, single submitter. Criteria: ACMG Guidelines, 2015. Collection method: clinical testing. Allele origin: germline. Affected: yes.
Comment: ACMG classification criteria: BS2, BP4